The following is an entry in ClinVar:

ClinVar aggregate classification (germline): Pathogenic (1 of 4 stars; one submission).

Submission:

GeneDx
Classification: Pathogenic. Last evaluated: 2014-03-25. Review status: criteria provided, single submitter. Criteria: GeneDx Variant Classification (06012015). Collection method: clinical testing. Allele origin: germline. Affected: yes.
Comment: Although the c.204delA mutation in the CASQ2 gene has not been reported to our knowledge, this mutation causes a shift in reading frame starting at codon Lysine 68, changing it to a Asparagine, and creating a premature stop codon at position 5 of the new reading frame, denoted p.Lys68AsnfsX5. This mutation is expected to result in either an abnormal, truncated protein product or loss of protein from this allele through nonsense-mediated mRNA decay. Other frameshift mutations in the CASQ2 gene have been reported in association with CPVT.In summary, c.204delA in the CASQ2 gene is interpreted as a disease-causing mutation.

NM_001232.4(CASQ2):c.204del (p.Lys68fs)

Gene: CASQ2 (calsequestrin 2; minus strand). Cytogenetic location: 1p13.1.
Variant type: Deletion.
Coding change: c.204del on transcript NM_001232.4 (MANE Select); coding-DNA position 204, one base deleted (A; older notation c.204delA).
Protein change: p.Lys68fs; shifts the reading frame from lysine 68.
Molecular consequence: frameshift variant.
Genome position (GRCh38, 1-based): chr1:115,768,338, T deleted on the plus strand (A on the coding strand, the reverse complement: CASQ2 is on the minus strand); the first of 5 consecutive T bases (chr1:115,768,338-115,768,342); deleting any one gives the same sequence. VCF-style (leftmost placement, unchanged base first): chr1-115768337-GT-G. GRCh37 (hg19) VCF-style: chr1-116310958-GT-G.
Other names: c.204delA (NM_001232.3); short protein forms K68fs.
Identifiers: ClinVar variation 190754 (VCV000190754.2), dbSNP rs786205795, ClinGen allele CA301935.